The following is an entry in ClinVar:

ClinVar aggregate classification (germline): Uncertain significance. Review status: criteria provided, multiple submitters, no conflicts (2 of 4 stars). 2 submissions from 2 submitters: Uncertain significance (2). Last evaluated 2023-12-19.

Conditions:
Hyper-IgE recurrent infection syndrome 3, autosomal recessive. Also called: HYPER-IgE SYNDROME 3, AUTOSOMAL RECESSIVE, WITH RECURRENT INFECTIONS; Autosomal recessive hyper-IgE syndrome due to ZNF341 deficiency. Identifiers: Orphanet 641368, MedGen C4748969, MONDO:0032654, OMIM 618282.

Allele frequency attached by ClinVar (database versions not stated): gnomAD exomes 0.00002 and 0.00005; ExAC 0.00004; gnomAD 0.00004; TOPMed 0.00004.
gnomAD v4.1: 47 of 1,614,104 alleles (0.0029%); highest among the groups gnomAD compares: Middle Eastern, 0.033%; no homozygotes.

Submissions (2):

Labcorp Genetics (formerly Invitae), Labcorp
Classification: Uncertain significance for Combined immunodeficiency due to DOCK8 deficiency. Last evaluated: 2023-12-19. Review status: criteria provided, single submitter. Criteria: Invitae Variant Classification Sherloc (09022015). Collection method: clinical testing. Allele origin: germline.
Comment: This sequence change replaces arginine, which is basic and polar, with glutamine, which is neutral and polar, at codon 230 of the DOCK8 protein (p.Arg230Gln). This variant is present in population databases (rs771753565, gnomAD 0.008%). This variant has not been reported in the literature in individuals affected with DOCK8-related conditions. ClinVar contains an entry for this variant (Variation ID: 392197). Advanced modeling of protein sequence and biophysical properties (such as structural, functional, and spatial information, amino acid conservation, physicochemical variation, residue mobility, and thermodynamic stability) performed at Invitae indicates that this missense variant is expected to disrupt DOCK8 protein function with a positive predictive value of 80%. In summary, the available evidence is currently insufficient to determine the role of this variant in disease. Therefore, it has been classified as a Variant of Uncertain Significance.

GeneDx
Classification: Uncertain significance. Last evaluated: 2016-12-23. Review status: criteria provided, single submitter. Criteria: GeneDx Variant Classification (06012015). Collection method: clinical testing. Allele origin: germline. Affected: yes.
Comment: The R230Q variant in the DOCK8 gene has not been reported previously as a pathogenic variant, nor as a benign variant, to our knowledge. The R230Q variant was not observed in approximately 6,500 individuals of European and African American ancestry in the NHLBI Exome Sequencing Project, indicating it is not a common benign variant in these populations. The R230Q variant is a semi-conservative amino acid substitution, which may impact secondary protein structure as these residues differ in some properties. This substitution occurs at a position that is conserved across species. In silico analysis predicts this variant is probably damaging to the protein structure/function. We interpret R230Q as a variant of uncertain significance.

NM_203447.4(DOCK8):c.689G>A (p.Arg230Gln)

Gene: DOCK8 (dedicator of cytokinesis 8; plus strand). Cytogenetic location: 9p24.3.
Variant type: single nucleotide variant.
Coding change: c.689G>A on transcript NM_203447.4 (MANE Select); coding-DNA position 689, G replaced by A.
Protein change: p.Arg230Gln; replaces arginine 230 with glutamine.
Molecular consequence: missense variant.
Genome position (GRCh38, 1-based): chr9:312,114, G>A. VCF-style: chr9-312114-G-A. GRCh37 (hg19) VCF-style: chr9-312114-G-A.
Other names: c.485G>A, p.Arg162Gln (NM_001190458.2, NM_001193536.2); short protein forms R230Q, R162Q.
Identifiers: ClinVar variation 392197 (VCV000392197.6), dbSNP rs771753565, ClinGen allele CA4957369.
Genomic context (GRCh38, chr9:312,114, plus strand): 5'-TAGAAAACCTCCTGCAGCAAGTGAGTGCCGAGGACTTTGAGAAGCAGAACGAGGAGGCCC[G>A]GAGGACCAATAGGCAGGCCGAGCTCTTTGCCCTTTACCCATCAGTGGACGAGGTGGGTGC-3'
Protein context (NP_982272.2, residues 220-240): EDFEKQNEEA[Arg230Gln]RTNRQAELFA